The following is an entry in ClinVar:

NM_170601.5(SIAE):c.1028A>G (p.Gln343Arg)

Gene: SIAE (sialic acid acetylesterase; minus strand). Cytogenetic location: 11q24.2.
Variant type: single nucleotide variant.
Coding change: c.1028A>G on transcript NM_170601.5 (MANE Select); coding-DNA position 1028, A replaced by G.
Protein change: p.Gln343Arg; replaces glutamine 343 with arginine.
Molecular consequence: missense variant.
Genome position (GRCh38, 1-based): chr11:124,639,806, T>C on the plus strand (A>G on the coding strand, the complement: SIAE is on the minus strand). VCF-style: chr11-124639806-T-C. GRCh37 (hg19) VCF-style: chr11-124509702-T-C.
Other names: c.923A>G, p.Gln308Arg (NM_001199922.2); short protein forms Q308R, Q343R.
Identifiers: ClinVar variation 3622226 (VCV003622226.2).

ClinVar aggregate classification (germline): Uncertain significance (1 of 4 stars; one submission).

gnomAD v4.1: 3 of 1,614,138 alleles (0.00019%); highest among the groups gnomAD compares: African/African-American, 0.004%; no homozygotes.

Submission:

Labcorp Genetics (formerly Invitae), Labcorp
Classification: Uncertain significance. Last evaluated: 2024-07-30. Review status: criteria provided, single submitter. Criteria: Invitae Variant Classification Sherloc (09022015). Collection method: clinical testing. Allele origin: germline.
Comment: This sequence change replaces glutamine, which is neutral and polar, with arginine, which is basic and polar, at codon 343 of the SIAE protein (p.Gln343Arg). This variant is present in population databases (no rsID available, gnomAD 0.01%). This variant has not been reported in the literature in individuals affected with SIAE-related conditions. An algorithm developed to predict the effect of missense changes on protein structure and function (PolyPhen-2) suggests that this variant is likely to be disruptive. In summary, the available evidence is currently insufficient to determine the role of this variant in disease. Therefore, it has been classified as a Variant of Uncertain Significance.